The following is an entry in ClinVar:

ClinVar aggregate classification (germline): Uncertain significance (1 of 4 stars; one submission).

Allele frequency attached by ClinVar (database versions not stated): gnomAD exomes below 0.00001; TOPMed below 0.00001; gnomAD 0.00001; ExAC 0.00002; ESP Exome Variant Server 0.00016.
gnomAD v4.1: 3 of 1,613,594 alleles (0.00019%); highest among the groups gnomAD compares: Non-Finnish European, 0.00025%; no homozygotes.

Submission:

Labcorp Genetics (formerly Invitae), Labcorp
Classification: Uncertain significance. Last evaluated: 2023-11-15. Review status: criteria provided, single submitter. Criteria: Invitae Variant Classification Sherloc (09022015). Collection method: clinical testing. Allele origin: germline.
Comment: This sequence change replaces alanine, which is neutral and non-polar, with valine, which is neutral and non-polar, at codon 97 of the CACNA1E protein (p.Ala97Val). This variant is present in population databases (rs372638168, gnomAD 0.007%). This variant has not been reported in the literature in individuals affected with CACNA1E-related conditions. Advanced modeling of protein sequence and biophysical properties (such as structural, functional, and spatial information, amino acid conservation, physicochemical variation, residue mobility, and thermodynamic stability) has been performed at Invitae for this missense variant, however the output from this modeling did not meet the statistical confidence thresholds required to predict the impact of this variant on CACNA1E protein function. In summary, the available evidence is currently insufficient to determine the role of this variant in disease. Therefore, it has been classified as a Variant of Uncertain Significance.

NM_001205293.3(CACNA1E):c.290C>T (p.Ala97Val)

Gene: CACNA1E (calcium voltage-gated channel subunit alpha1 E; plus strand). Cytogenetic location: 1q25.3.
Variant type: single nucleotide variant.
Coding change: c.290C>T on transcript NM_001205293.3 (MANE Select); coding-DNA position 290, C replaced by T.
Protein change: p.Ala97Val; replaces alanine 97 with valine.
Molecular consequence: missense variant.
Genome position (GRCh38, 1-based): chr1:181,510,500, C>T. VCF-style: chr1-181510500-C-T. GRCh37 (hg19) VCF-style: chr1-181479636-C-T.
Other names: c.290C>T, p.Ala97Val (NM_000721.4, NM_001205294.2); short protein forms A97V.
Identifiers: ClinVar variation 2798463 (VCV002798463.3), dbSNP rs372638168, ClinGen allele CA1274873.